The following is an entry in ClinVar:

ClinVar aggregate classification (germline): Likely benign (1 of 4 stars; one submission).

Allele frequency attached by ClinVar (database versions not stated): 1000 Genomes Project 30x 0.00016; 1000 Genomes Project 0.00020; ESP Exome Variant Server 0.00023.

Submission:

CeGaT Center for Human Genetics Tuebingen
Classification: Likely benign. Last evaluated: 2022-03-01. Review status: criteria provided, single submitter. Criteria: CeGaT Center For Human Genetics Tuebingen Variant Classification Criteria Version 2. Collection method: clinical testing. Allele origin: germline. Affected: yes. Observed: 1 variant allele.
Comment: FCGBP: BP4, BP7

NM_003890.3(FCGBP):c.447C>T (p.Pro149=)

Gene: FCGBP (Fc gamma binding protein; minus strand). Cytogenetic location: 19q13.2.
Variant type: single nucleotide variant.
Coding change: c.447C>T on transcript NM_003890.3 (MANE Select); coding-DNA position 447, C replaced by T.
Protein change: p.Pro149=; no amino-acid change (proline 149 retained).
Molecular consequence: synonymous variant.
Genome position (GRCh38, 1-based): chr19:39,927,915, G>A on the plus strand (C>T on the coding strand, the complement: FCGBP is on the minus strand). VCF-style: chr19-39927915-G-A. GRCh37 (hg19) VCF-style: chr19-40433822-G-A.
Identifiers: ClinVar variation 2649870 (VCV002649870.24), dbSNP rs375117067, ClinGen allele CA9438224.